The following is an entry in ClinVar:

ClinVar aggregate classification (germline): Conflicting classifications of pathogenicity. Review status: criteria provided, conflicting classifications (1 of 4 stars). 13 submissions from 13 submitters: Uncertain significance (11); Likely benign (1). 1 of the submissions does not count toward it. Last evaluated 2026-01-28.

Conditions:
Hereditary breast ovarian cancer syndrome. Also called: Hereditary breast and ovarian cancer syndrome; Hereditary breast and ovarian cancer syndrome (HBOC); BRCA1- and BRCA2-Associated Hereditary Breast and Ovarian Cancer; Breast and ovarian cancer; Hereditary breast and ovarian cancer; Hereditary breast and/or ovarian cancer syndrome. Identifiers: Orphanet 145, MedGen C0677776, MeSH D061325, MONDO:0003582. Disease mechanism: loss of function.
Breast-ovarian cancer, familial, susceptibility to, 1 (BROVCA1). Also called: OVARIAN CANCER, SUSCEPTIBILITY TO; BRCA1 Hereditary Breast and Ovarian Cancer. Identifiers: Orphanet 145, MedGen C2676676, MONDO:0011450, OMIM 604370. Disease mechanism: loss of function.
Inherited ovarian cancer (without breast cancer).
Hereditary cancer-predisposing syndrome. Also called: Hereditary Cancer Syndrome; Hereditary neoplastic syndrome; Tumor predisposition; Neoplastic Syndromes, Hereditary. Identifiers: Orphanet 140162, MedGen C0027672, MeSH D009386, MONDO:0015356.

Allele frequency attached by ClinVar (database versions not stated): gnomAD exomes below 0.00001 and 0.00001; gnomAD 0.00001; TOPMed 0.00001.
gnomAD v4.1: 14 of 1,613,838 alleles (0.00087%); highest among the groups gnomAD compares: Non-Finnish European, 0.0011%; no homozygotes.

Submissions (13):

Labcorp Genetics (formerly Invitae), Labcorp
Classification: Uncertain significance for Hereditary breast ovarian cancer syndrome. Last evaluated: 2026-01-28. Review status: criteria provided, single submitter. Criteria: Invitae Variant Classification Sherloc (09022015). Collection method: clinical testing. Allele origin: germline.
Comment: This sequence change replaces isoleucine, which is neutral and non-polar, with threonine, which is neutral and polar, at codon 641 of the BRCA1 protein (p.Ile641Thr). This variant is present in population databases (rs730881474, gnomAD 0.0009%). This variant has not been reported in the literature in individuals affected with BRCA1-related conditions. ClinVar contains an entry for this variant (Variation ID: 182138). Invitae Evidence Modeling of protein sequence and biophysical properties (such as structural, functional, and spatial information, amino acid conservation, physicochemical variation, residue mobility, and thermodynamic stability) indicates that this missense variant is expected to disrupt BRCA1 protein function with a positive predictive value of 80%. In summary, the available evidence is currently insufficient to determine the role of this variant in disease. Therefore, it has been classified as a Variant of Uncertain Significance.

Ambry Genetics
Classification: Uncertain significance for Hereditary cancer-predisposing syndrome. Last evaluated: 2025-06-06. Review status: criteria provided, single submitter. Criteria: Ambry Variant Classification Scheme 2023. Collection method: clinical testing. Allele origin: germline.
Comment: The p.I641T variant (also known as c.1922T>C), located in coding exon 9 of the BRCA1 gene, results from a T to C substitution at nucleotide position 1922. The isoleucine at codon 641 is replaced by threonine, an amino acid with similar properties. This amino acid position is highly conserved in available vertebrate species. In addition, this alteration is predicted to be deleterious by in silico analysis. Based on the available evidence, the clinical significance of this variant remains unclear.

GeneDx
Classification: Uncertain significance. Last evaluated: 2024-12-06. Review status: criteria provided, single submitter. Criteria: GeneDx Variant Classification Process June 2021. Collection method: clinical testing. Allele origin: germline. Affected: yes.
Comment: Not observed at significant frequency in large population cohorts (gnomAD); In silico analysis supports that this missense variant has a deleterious effect on protein structure/function; Observed in individuals with breast cancer (PMID: 33471991); Also known as 2041T>C; This variant is associated with the following publications: (PMID: 32377563, 10426999, 10792030, 15343273, 33471991, 31853058)

Genomics and Molecular Medicine Service, East Genomic Laboratory Hub, NHS Genomic Medicine Service
Classification: Uncertain significance for Inherited ovarian cancer (without breast cancer). Last evaluated: 2024-09-06. Review status: criteria provided, single submitter. Criteria: ACGS Best Practice Guidelines for Variant Classification in Rare Disease 2020. Collection method: clinical testing. Allele origin: germline. Affected: yes.
Comment: PP3,BP1

All of Us Research Program, National Institutes of Health
Classification: Uncertain significance for Breast-ovarian cancer, familial, susceptibility to, 1. Last evaluated: 2023-11-30. Review status: criteria provided, single submitter. Criteria: ACMG Guidelines, 2015. Collection method: clinical testing. Allele origin: germline. Inheritance: Autosomal dominant inheritance. Observed: 3 variant alleles, 3 heterozygotes.
Comment: This missense variant replaces isoleucine with threonine at codon 641 of the BRCA1 protein. Computational prediction suggests that this variant may have deleterious impact on protein structure and function (internally defined REVEL score threshold >= 0.7, PMID: 27666373). To our knowledge, functional studies have not been reported for this variant. This variant has been reported in individuals with personal or family history of breast and ovarian cancer (Leiden Open Variant Database individual #00272017; Color internal data) and an individual age 70 years or older without cancer by FLOSSIES. This variant has been identified in 2/282404 chromosomes in the general population by the Genome Aggregation Database (gnomAD). The available evidence is insufficient to determine the role of this variant in disease conclusively. Therefore, this variant is classified as a Variant of Uncertain Significance.

This study involves interpretation of variants in research participants for the purpose of population health screening. Participant phenotype was not available at the time of variant classification. Additional details can be found in publication PMID: 35346344, PMCID: PMC8962531

Quest Diagnostics Nichols Institute San Juan Capistrano
Classification: Uncertain significance. Last evaluated: 2023-06-30. Review status: criteria provided, single submitter. Criteria: Quest Diagnostics criteria. Collection method: clinical testing. Allele origin: unknown.
Comment: In the published literature, this variant has been reported to be located in a region of the BRCA1 gene that is tolerant to missense sequence changes (PMID: 31911673 (2020)). In a large-scale breast cancer association study, the variant was observed in an individual with breast cancer (PMID: 33471991 (2021), see also LOVD). The frequency of this variant in the general population, 0.0000071 (2/282404 chromosomes (Genome Aggregation Database)), is uninformative in the assessment of its pathogenicity. Analysis of this variant using bioinformatics tools for the prediction of the effect of amino acid changes on protein structure and function yielded predictions that this variant is damaging. Based on the available information, we are unable to determine the clinical significance of this variant.

Color Diagnostics, LLC DBA Color Health
Classification: Uncertain significance for Hereditary cancer-predisposing syndrome. Last evaluated: 2023-03-29. Review status: criteria provided, single submitter. Criteria: ACMG Guidelines, 2015. Collection method: clinical testing. Allele origin: germline.
Comment: This missense variant replaces isoleucine with threonine at codon 641 of the BRCA1 protein. Computational prediction suggests that this variant may have deleterious impact on protein structure and function (internally defined REVEL score threshold >= 0.7, PMID: 27666373). To our knowledge, functional studies have not been reported for this variant. This variant has been detected in a breast cancer case-control meta-analysis in 3/60466 cases and 0/53461 unaffected individuals (PMID: 33471991; Leiden Open Variation Database DB-ID BRCA1_004716), and this variant also has been reported in 1 individual age 70 years or older without cancer in the FLOSSIES database. This variant has been identified in 2/282404 chromosomes in the general population by the Genome Aggregation Database (gnomAD). The available evidence is insufficient to determine the role of this variant in disease conclusively. Therefore, this variant is classified as a Variant of Uncertain Significance.

University of Washington Department of Laboratory Medicine, University of Washington
Classification: Likely benign for Hereditary cancer-predisposing syndrome. Last evaluated: 2023-03-23. Review status: criteria provided, single submitter. Criteria: Dines et al. (Genet Med. 2020). Collection method: curation. Allele origin: germline.
Comment: Missense variant in a coldspot region where missense variants are very unlikely to be pathogenic (PMID:31911673).

BRCA1 coldspot (exon 11 using historical exon numbering). Reclassification based on statistical prior probability

Sema4
Classification: Uncertain significance for Hereditary cancer-predisposing syndrome. Last evaluated: 2021-06-24. Review status: criteria provided, single submitter. Criteria: Sema4 Curation Guidelines. Collection method: curation. Allele origin: germline.
Comment: The BRCA1 c.1922T>C (p.I641T) variant has been reported in heterozygosity in at least three individuals with breast cancer (PMID: 33471991). This variant was observed in 2/128808 chromosomes in the European (non-Finnish) population according to the Genome Aggregation Database (PMID: 32461654) and has been reported in ClinVar (Variation ID: 182138). In silico tools suggest the impact of the variant on protein function is deleterious, though these predictions have not been confirmed by functional studies. Based on the current evidence available, this variant is interpreted as a variant of uncertain significance.

Mayo Clinic Laboratories, Mayo Clinic
Classification: Uncertain significance. Last evaluated: 2020-11-06. Review status: criteria provided, single submitter. Criteria: ACMG Guidelines, 2015. Collection method: clinical testing. Allele origin: germline. Observed: 1 variant allele.

Women's Health and Genetics/Laboratory Corporation of America, LabCorp
Classification: Uncertain significance. Last evaluated: 2019-01-02. Review status: criteria provided, single submitter. Criteria: LabCorp Variant Classification Summary - May 2015. Collection method: clinical testing. Allele origin: germline.
Comment: Variant summary: BRCA1 c.1922T>C (p.Ile641Thr) results in a non-conservative amino acid change in the encoded protein sequence. Four of five in-silico tools predict a damaging effect of the variant on protein function. The variant allele was found at a frequency of 4.1e-06 in 245800 control chromosomes (gnomAD). The available data on variant occurrences in the general population are insufficient to allow any conclusion about variant significance. To our knowledge, no occurrence of c.1922T>C in individuals affected with Hereditary Breast and Ovarian Cancer and no experimental evidence demonstrating its impact on protein function have been reported. Six ClinVar submissions from clinical diagnostic laboratories (evaluation after 2014) cite the variant as uncertain significance. Based on the evidence outlined above, the variant was classified as uncertain significance.

Molecular Genetics Laboratory, University of Michigan
Classification: Uncertain significance for Breast-ovarian cancer, familial, susceptibility to, 1. Last evaluated: 2016-04-21. Review status: criteria provided, single submitter. Criteria: ACMG Guidelines, 2015. Collection method: clinical testing. Allele origin: germline. Affected: yes.

Counsyl
Classification: Uncertain significance for Breast-ovarian cancer, familial, susceptibility to, 1. Last evaluated: 2016-10-11. Review status: no assertion criteria provided. Collection method: clinical testing. Allele origin: unknown. Not counted in ClinVar's aggregate classification.

Literature cited by the submitters: PubMed 33471991 (cited by 3 submitters); PubMed 31911673 (cited by Quest Diagnostics Nichols Institute San Juan Capistrano).

NM_007294.4(BRCA1):c.1922T>C (p.Ile641Thr)

Gene: BRCA1 (BRCA1 DNA repair associated; minus strand). Cytogenetic location: 17q21.31.
Variant type: single nucleotide variant.
Coding change: c.1922T>C on transcript NM_007294.4 (MANE Select); coding-DNA position 1922, T replaced by C.
Protein change: p.Ile641Thr; replaces isoleucine 641 with threonine.
Molecular consequence: missense variant. On other transcripts: intron variant (137).
Genome position (GRCh38, 1-based): chr17:43,093,609, A>G on the plus strand (T>C on the coding strand, the complement: BRCA1 is on the minus strand). VCF-style: chr17-43093609-A-G. GRCh37 (hg19) VCF-style: chr17-41245626-A-G.
Other names: p.I641T:ATT>ACT; c.1919T>C, p.Ile640Thr (NM_001407613.1, NM_001407614.1, NM_001407615.1 and 22 more transcripts); c.1922T>C, p.Ile641Thr (NM_001407616.1, NM_001407617.1, NM_001407618.1 and 30 more transcripts); c.1844T>C, p.Ile615Thr (NM_001407654.1, NM_001407655.1, NM_001407656.1 and 4 more transcripts); c.1841T>C, p.Ile614Thr (NM_001407659.1, NM_001407660.1, NM_001407661.1 and 1 more transcripts); c.1796T>C, p.Ile599Thr (NM_001407673.1, NM_001407649.1, NM_001407670.1 and 11 more transcripts); c.1799T>C, p.Ile600Thr (NM_001407674.1, NM_001407675.1, NM_001407676.1 and 19 more transcripts); c.1781T>C, p.Ile594Thr (NM_001407692.1, NM_001407694.1, NM_001407695.1 and 29 more transcripts); and 41 more; short protein forms I641T, I594T, I514T, I529T, I530T, I552T, I614T, I615T.
Identifiers: ClinVar variation 182138 (VCV000182138.43), dbSNP rs730881474, ClinGen allele CA001269.